The following is an entry in ClinVar:

ClinVar aggregate classification (germline): Uncertain significance. Review status: criteria provided, multiple submitters, no conflicts (2 of 4 stars). 2 submissions from 2 submitters: Uncertain significance (2). Last evaluated 2024-03-14.

Conditions:
Hereditary cancer-predisposing syndrome. Also called: Hereditary neoplastic syndrome; Tumor predisposition; Neoplastic Syndromes, Hereditary; Hereditary Cancer Syndrome. Identifiers: Orphanet 140162, MedGen C0027672, MeSH D009386, MONDO:0015356.
Hereditary breast ovarian cancer syndrome. Also called: Hereditary breast and ovarian cancer syndrome; Hereditary breast and/or ovarian cancer syndrome; BRCA1- and BRCA2-Associated Hereditary Breast and Ovarian Cancer; Hereditary breast and ovarian cancer syndrome (HBOC); Hereditary breast and ovarian cancer; Breast and ovarian cancer. Identifiers: Orphanet 145, MedGen C0677776, MeSH D061325, MONDO:0003582. Disease mechanism: loss of function.

Allele frequency attached by ClinVar (database versions not stated): TOPMed below 0.00001.

Submissions (2):

Ambry Genetics
Classification: Uncertain significance for Hereditary cancer-predisposing syndrome. Last evaluated: 2024-03-14. Review status: criteria provided, single submitter. Criteria: Ambry Variant Classification Scheme 2023. Collection method: clinical testing. Allele origin: germline.
Comment: The p.N517K variant (also known as c.1551T>G), located in coding exon 9 of the BRCA2 gene, results from a T to G substitution at nucleotide position 1551. The asparagine at codon 517 is replaced by lysine, an amino acid with similar properties. This amino acid position is conserved. In addition, this alteration is predicted to be tolerated by in silico analysis. Based on the available evidence, the clinical significance of this alteration remains unclear.

Labcorp Genetics (formerly Invitae), Labcorp
Classification: Uncertain significance for Hereditary breast ovarian cancer syndrome. Last evaluated: 2023-12-21. Review status: criteria provided, single submitter. Criteria: Invitae Variant Classification Sherloc (09022015). Collection method: clinical testing. Allele origin: germline.
Comment: This sequence change replaces asparagine, which is neutral and polar, with lysine, which is basic and polar, at codon 517 of the BRCA2 protein (p.Asn517Lys). This variant is not present in population databases (gnomAD no frequency). This variant has not been reported in the literature in individuals affected with BRCA2-related conditions. Advanced modeling of protein sequence and biophysical properties (such as structural, functional, and spatial information, amino acid conservation, physicochemical variation, residue mobility, and thermodynamic stability) performed at Invitae indicates that this missense variant is not expected to disrupt BRCA2 protein function with a negative predictive value of 95%. In summary, the available evidence is currently insufficient to determine the role of this variant in disease. Therefore, it has been classified as a Variant of Uncertain Significance.

NM_000059.4(BRCA2):c.1551T>G (p.Asn517Lys)

Gene: BRCA2 (BRCA2 DNA repair associated; plus strand). Cytogenetic location: 13q13.1.
Variant type: single nucleotide variant.
Coding change: c.1551T>G on transcript NM_000059.4 (MANE Select); coding-DNA position 1551, T replaced by G.
Protein change: p.Asn517Lys; replaces asparagine 517 with lysine.
Molecular consequence: missense variant. On other transcripts: non-coding transcript variant (1), intron variant (1).
Genome position (GRCh38, 1-based): chr13:32,333,029, T>G. VCF-style: chr13-32333029-T-G. GRCh37 (hg19) VCF-style: chr13-32907166-T-G.
Other names: c.1551T>G, p.Asn517Lys (NM_001406719.1, NM_001406720.1, NM_001406721.1); c.424+1999T>G (NM_001406722.1); short protein forms N517K.
Identifiers: ClinVar variation 2863038 (VCV002863038.4), dbSNP rs760647691, ClinGen allele CA247497751.